The following is an entry in ClinVar:

ClinVar aggregate classification (germline): Pathogenic. Review status: criteria provided, multiple submitters, no conflicts (2 of 4 stars). 6 submissions from 6 submitters: Pathogenic (5). 1 of the submissions does not count toward it. Last evaluated 2026-02-26.

Conditions:
Tuberous sclerosis syndrome (TSC). Also called: Tuberous Sclerosis Complex; Tuberous sclerosis. Identifiers: Orphanet 805, MedGen C0041341, MONDO:0001734.
Tuberous sclerosis 2 (TSC2). Identifiers: Orphanet 805, MedGen C1860707, MONDO:0013199, OMIM 613254.

Submissions (6):

Clinical Genomics Laboratory, Washington University in St. Louis
Classification: Pathogenic for Tuberous sclerosis 2. Last evaluated: 2026-02-26. Review status: criteria provided, single submitter. Criteria: Leon-Quintero et al. (Clin Genet. 2025). Collection method: clinical testing. Allele origin: somatic. Affected: yes.
Comment: A TSC2 c.488_489del (p.Phe163Cysfs*25) variant was identified at an allelic fraction consistent with somatic origin. This variant has been reported in a germline state in the literature in a patient with tuberous sclerosis 2 (Au KS et al., PMID: 9463313). It has also been reported in the ClinVar database as a germline pathogenic variant by four submitters (ClinVar Variation ID: 49879). This variant causes a frameshift by deleting two nucleotides, leading to a premature termination codon, which is predicted to lead to nonsense mediated decay. It is absent from the general population (gnomAD v4.1.0), indicating it is not a common variant. Based on available information and an internally developed protocol informed by the ACMG/AMP guidelines for variant interpretation and gene-specific practices from the ClinGen Criteria Specification Registry (Leon-Quintero FZ et al., PMID: 39434542), the TSC2 c.488_489del (p.Phe163Cysfs*25) variant is classified as pathogenic.

Genome-Nilou Lab
Classification: Pathogenic for Tuberous sclerosis 2. Last evaluated: 2021-11-07. Review status: criteria provided, single submitter. Criteria: ACMG Guidelines, 2015. Collection method: clinical testing. Allele origin: germline. Affected: no.

Labcorp Genetics (formerly Invitae), Labcorp
Classification: Pathogenic for Tuberous sclerosis 2. Last evaluated: 2019-11-27. Review status: criteria provided, single submitter. Criteria: Invitae Variant Classification Sherloc (09022015). Collection method: clinical testing. Allele origin: germline.
Comment: For these reasons, this variant has been classified as Pathogenic. Loss-of-function variants in TSC2 are known to be pathogenic (PMID: 10205261, 17304050). This variant has been observed in several individuals affected with tuberous sclerosis complex (PMID: 9463313, 17304050, 21520333). ClinVar contains an entry for this variant (Variation ID: 49879). This variant is not present in population databases (ExAC no frequency). This sequence change creates a premature translational stop signal (p.Phe163Cysfs*25) in the TSC2 gene. It is expected to result in an absent or disrupted protein product.

GeneDx
Classification: Pathogenic. Last evaluated: 2019-07-02. Review status: criteria provided, single submitter. Criteria: GeneDx Variant Classification Process June 2021. Collection method: clinical testing. Allele origin: germline. Affected: yes.
Comment: Reported previously in a patient with hypopigmented macules, facial angiofibromas, shagreen patch, subependymal nodules, cortical tubers, seizures, and kidney tumors (Au et al., 1998); Frameshift variant predicted to result in protein truncation or nonsense mediated decay in a gene for which loss-of-function is a known mechanism of disease; Not observed in large population cohorts (Lek et al., 2016); This variant is associated with the following publications: (PMID: 9463313)

Oasi Research Institute-IRCCS
Classification: Pathogenic for Tuberous sclerosis 2. Review status: criteria provided, single submitter. Criteria: ACMG Guidelines, 2015. Collection method: research. Allele origin: de novo. Affected: yes.
Comment: This variant creates a premature translational stop signal. It is expected to result in an protein truncation or nonsense mediated decay. Diverse tools classified the variant as pathogenic: BayesDel addAF; BayesDel noAF; EIGEN; FATHMM-XF; MutationTaster. ACMG criteria: PP4 (phenotype match), PM2 (absent from control), PP3 (in silico evidence), PS2 (de novo), = Pathogenic. For these reasons, this variant has been classified as Pathogenic.

Tuberous sclerosis database (TSC2)
No classification provided. Condition: TSC. Review status: no classification provided. Criteria: Tuberous Sclerosis Database Assertion Criteria 2015. Collection method: curation. Allele origin: germline. Affected: yes. Not counted in ClinVar's aggregate classification.

Literature cited by the submitters: PubMed 10205261 (cited by Labcorp Genetics (formerly Invitae), Labcorp); PubMed 17304050 (cited by Labcorp Genetics (formerly Invitae), Labcorp); PubMed 9463313 (cited by Labcorp Genetics (formerly Invitae), Labcorp); PubMed 21520333 (cited by Labcorp Genetics (formerly Invitae), Labcorp).

NM_000548.5(TSC2):c.488_489del (p.Phe163fs)

Gene: TSC2 (TSC complex subunit 2; plus strand). Cytogenetic location: 16p13.3.
Variant type: Deletion.
Coding change: c.488_489del on transcript NM_000548.5 (MANE Select); coding-DNA positions 488 to 489, 2 bases deleted (TT; older notation c.488_489delTT).
Protein change: p.Phe163fs; shifts the reading frame from phenylalanine 163.
Molecular consequence: frameshift variant. On other transcripts: intron variant (1).
Genome position (GRCh38, 1-based): chr16:2,055,408-2,055,409, TT deleted; deleting any 2 consecutive bases within chr16:2,055,407-2,055,409 gives the same sequence; the c. name uses the placement nearest the transcript's 3' end. VCF-style (leftmost placement, unchanged base first): chr16-2055406-CTT-C. GRCh37 (hg19) VCF-style: chr16-2105407-CTT-C.
Other names: c.488_489del, p.Phe163fs (NM_001077183.3, NM_001114382.3, NM_001363528.2 and 3 more transcripts); c.377_378del, p.Phe126fs (NM_001318827.2); c.341_342del, p.Phe114fs (NM_001318829.2); c.521_522del, p.Phe174fs (NM_001318832.2); c.-1-788_-1-787del (NM_001318831.2); c.488_489delTT (NM_000548.5); short protein forms F114fs, F163fs, F126fs, F174fs.
Identifiers: ClinVar variation 49879 (VCV000049879.17), dbSNP rs137854122, ClinGen allele CA021186.